The following is an entry in ClinVar:

ClinVar aggregate classification (germline): Uncertain significance. Review status: criteria provided, multiple submitters, no conflicts (2 of 4 stars). 3 submissions from 3 submitters: Uncertain significance (2). 1 of the submissions does not count toward it. Last evaluated 2025-04-07.

Conditions:
Inborn genetic diseases. Identifiers: MedGen C0950123, MeSH D030342.
PCNT-related disorder. Also called: PCNT-related condition.

Allele frequency attached by ClinVar (database versions not stated): ESP Exome Variant Server 0.00069; 1000 Genomes Project 30x 0.00078; 1000 Genomes Project 0.00060.
gnomAD v4.1: 139 of 1,614,198 alleles (0.0086%); highest among the groups gnomAD compares: African/African-American, 0.17%; no homozygotes.

Submissions (3):

Ambry Genetics
Classification: Uncertain significance for Inborn genetic diseases. Last evaluated: 2025-04-07. Review status: criteria provided, single submitter. Criteria: Ambry Variant Classification Scheme 2023. Collection method: clinical testing. Allele origin: germline.

Labcorp Genetics (formerly Invitae), Labcorp
Classification: Uncertain significance. Last evaluated: 2022-07-05. Review status: criteria provided, single submitter. Criteria: Invitae Variant Classification Sherloc (09022015). Collection method: clinical testing. Allele origin: germline.
Comment: This sequence change replaces phenylalanine, which is neutral and non-polar, with leucine, which is neutral and non-polar, at codon 2086 of the PCNT protein (p.Phe2086Leu). This variant is present in population databases (rs148128278, gnomAD 0.2%). This variant has not been reported in the literature in individuals affected with PCNT-related conditions. Algorithms developed to predict the effect of missense changes on protein structure and function output the following: SIFT: "Tolerated"; PolyPhen-2: "Benign"; Align-GVGD: "Class C0". The leucine amino acid residue is found in multiple mammalian species, which suggests that this missense change does not adversely affect protein function. In summary, the available evidence is currently insufficient to determine the role of this variant in disease. Therefore, it has been classified as a Variant of Uncertain Significance.

PreventionGenetics, part of Exact Sciences
Classification: Likely benign for PCNT-related condition. Last evaluated: 2021-09-21. Review status: no assertion criteria provided. Collection method: clinical testing. Allele origin: germline. Not counted in ClinVar's aggregate classification.
Comment: This variant is classified as likely benign based on ACMG/AMP sequence variant interpretation guidelines (Richards et al. 2015 PMID: 25741868, with internal and published modifications).

NM_006031.6(PCNT):c.6258C>G (p.Phe2086Leu)

Gene: PCNT (pericentrin; plus strand). Cytogenetic location: 21q22.3.
Variant type: single nucleotide variant.
Coding change: c.6258C>G on transcript NM_006031.6 (MANE Select); coding-DNA position 6258, C replaced by G.
Protein change: p.Phe2086Leu; replaces phenylalanine 2086 with leucine.
Molecular consequence: missense variant.
Genome position (GRCh38, 1-based): chr21:46,416,176, C>G. VCF-style: chr21-46416176-C-G. GRCh37 (hg19) VCF-style: chr21-47836090-C-G.
Other names: c.5904C>G, p.Phe1968Leu (NM_001315529.2); c.6258C>G (NM_006031.5); short protein forms F1968L, F2086L.
Identifiers: ClinVar variation 2168972 (VCV002168972.4), dbSNP rs148128278, ClinGen allele CA10080291.